The following is an entry in ClinVar:

ClinVar aggregate classification (germline): Uncertain significance (1 of 4 stars; one submission).

Allele frequency attached by ClinVar (database versions not stated): gnomAD exomes below 0.00001.

Submission:

Labcorp Genetics (formerly Invitae), Labcorp
Classification: Uncertain significance. Last evaluated: 2024-10-25. Review status: criteria provided, single submitter. Criteria: Invitae Variant Classification Sherloc (09022015). Collection method: clinical testing. Allele origin: germline.
Comment: This sequence change creates a premature translational stop signal (p.Cys674Serfs*10) in the MYH7B gene. It is expected to result in an absent or disrupted protein product. However, the current clinical and genetic evidence is not sufficient to establish whether loss-of-function variants in MYH7B cause disease. This variant is not present in population databases (gnomAD no frequency). This variant has not been reported in the literature in individuals affected with MYH7B-related conditions. ClinVar contains an entry for this variant (Variation ID: 1505332). In summary, the available evidence is currently insufficient to determine the role of this variant in disease. Therefore, it has been classified as a Variant of Uncertain Significance.

NM_020884.7(MYH7B):c.1895del (p.Cys632fs)

Gene: MYH7B (myosin heavy chain 7B; plus strand). Cytogenetic location: 20q11.22.
Variant type: Deletion.
Coding change: c.1895del on transcript NM_020884.7 (MANE Select); coding-DNA position 1895, one base deleted (G; older notation c.1895delG).
Protein change: p.Cys632fs; shifts the reading frame from cysteine 632.
Molecular consequence: frameshift variant.
Genome position (GRCh38, 1-based): chr20:34,990,141, G deleted. VCF-style (leftmost placement, unchanged base first): chr20-34990140-TG-T. GRCh37 (hg19) VCF-style: chr20-33577943-TG-T.
Other names: short protein forms C632fs.
Identifiers: ClinVar variation 1505332 (VCV001505332.6), dbSNP rs2082114475, ClinGen allele CA2361448567.